The following is an entry in ClinVar:

ClinVar aggregate classification (germline): Uncertain significance. Review status: criteria provided, multiple submitters, no conflicts (2 of 4 stars). 2 submissions from 2 submitters: Uncertain significance (2). Last evaluated 2024-12-04.

Conditions:
Inborn genetic diseases. Identifiers: MedGen C0950123, MeSH D030342.
2-aminoadipic 2-oxoadipic aciduria (AAKAD). Also called: Aminoadipic aciduria; ALPHA-AMINOADIPIC AND ALPHA-KETOADIPIC ACIDURIA. Identifiers: Orphanet 79154, MedGen C1859817, MONDO:0008774, OMIM 204750.

Allele frequency attached by ClinVar (database versions not stated): gnomAD 0.00001; gnomAD exomes 0.00001; TOPMed 0.00001; ExAC 0.00002.
gnomAD v4.1: 10 of 1,602,166 alleles (0.00062%); highest among the groups gnomAD compares: Middle Eastern, 0.017%; no homozygotes.

Submissions (2):

Ambry Genetics
Classification: Uncertain significance for Inborn genetic diseases. Last evaluated: 2024-12-04. Review status: criteria provided, single submitter. Criteria: Ambry Variant Classification Scheme 2023. Collection method: clinical testing. Allele origin: germline.

Labcorp Genetics (formerly Invitae), Labcorp
Classification: Uncertain significance for 2-aminoadipic 2-oxoadipic aciduria. Last evaluated: 2023-09-20. Review status: criteria provided, single submitter. Criteria: Invitae Variant Classification Sherloc (09022015). Collection method: clinical testing. Allele origin: germline.
Comment: This sequence change replaces tyrosine, which is neutral and polar, with cysteine, which is neutral and slightly polar, at codon 814 of the DHTKD1 protein (p.Tyr814Cys). This variant is present in population databases (rs756286549, gnomAD 0.006%). This variant has not been reported in the literature in individuals affected with DHTKD1-related conditions. Advanced modeling of protein sequence and biophysical properties (such as structural, functional, and spatial information, amino acid conservation, physicochemical variation, residue mobility, and thermodynamic stability) performed at Invitae indicates that this missense variant is expected to disrupt DHTKD1 protein function. In summary, the available evidence is currently insufficient to determine the role of this variant in disease. Therefore, it has been classified as a Variant of Uncertain Significance.

NM_018706.7(DHTKD1):c.2441A>G (p.Tyr814Cys)

Gene: DHTKD1 (dehydrogenase E1 and transketolase domain containing 1; plus strand). Cytogenetic location: 10p14.
Variant type: single nucleotide variant.
Coding change: c.2441A>G on transcript NM_018706.7 (MANE Select); coding-DNA position 2441, A replaced by G.
Protein change: p.Tyr814Cys; replaces tyrosine 814 with cysteine.
Molecular consequence: missense variant.
Genome position (GRCh38, 1-based): chr10:12,118,787, A>G. VCF-style: chr10-12118787-A-G. GRCh37 (hg19) VCF-style: chr10-12160786-A-G.
Other names: c.2441A>G (NM_018706.5); short protein forms Y814C.
Identifiers: ClinVar variation 2773010 (VCV002773010.4), dbSNP rs756286549, ClinGen allele CA5408273.